The following is an entry in ClinVar:

NM_152743.4(BRAT1):c.829G>A (p.Gly277Ser)

Gene: BRAT1 (BRCA1 associated ATM activator 1; minus strand). Cytogenetic location: 7p22.3.
Variant type: single nucleotide variant.
Coding change: c.829G>A on transcript NM_152743.4 (MANE Select); coding-DNA position 829, G replaced by A.
Protein change: p.Gly277Ser; replaces glycine 277 with serine.
Molecular consequence: missense variant. On other transcripts: non-coding transcript variant (1).
Genome position (GRCh38, 1-based): chr7:2,543,298, C>T on the plus strand (G>A on the coding strand, the complement: BRAT1 is on the minus strand). VCF-style: chr7-2543298-C-T. GRCh37 (hg19) VCF-style: chr7-2582932-C-T.
Other names: c.829G>A, p.Gly277Ser (NM_001350626.2); c.304G>A, p.Gly102Ser (NM_001350627.2); short protein forms G102S, G277S.
Identifiers: ClinVar variation 1496918 (VCV001496918.5), dbSNP rs752662283, ClinGen allele CA4128039.

ClinVar aggregate classification (germline): Uncertain significance (1 of 4 stars; one submission).

Conditions:
Neonatal-onset encephalopathy with rigidity and seizures. Also called: Lethal neonatal spasticity-epileptic encephalopathy syndrome. Identifiers: Orphanet 435845, MedGen C3281029, MONDO:0013784, OMIM 614498.

Allele frequency attached by ClinVar (database versions not stated): gnomAD 0.00001 and 0.00002; ExAC 0.00002; gnomAD exomes 0.00002; TOPMed 0.00002.

Submission:

Labcorp Genetics (formerly Invitae), Labcorp
Classification: Uncertain significance for Neonatal-onset encephalopathy with rigidity and seizures. Last evaluated: 2022-05-08. Review status: criteria provided, single submitter. Criteria: Invitae Variant Classification Sherloc (09022015). Collection method: clinical testing. Allele origin: germline.
Comment: Algorithms developed to predict the effect of missense changes on protein structure and function output the following: SIFT: "Tolerated"; PolyPhen-2: "Benign"; Align-GVGD: "Class C0". The serine amino acid residue is found in multiple mammalian species, which suggests that this missense change does not adversely affect protein function. In summary, the available evidence is currently insufficient to determine the role of this variant in disease. Therefore, it has been classified as a Variant of Uncertain Significance. Algorithms developed to predict the effect of sequence changes on RNA splicing suggest that this variant may create or strengthen a splice site. This variant has not been reported in the literature in individuals affected with BRAT1-related conditions. This variant is present in population databases (rs752662283, gnomAD 0.01%). This sequence change replaces glycine, which is neutral and non-polar, with serine, which is neutral and polar, at codon 277 of the BRAT1 protein (p.Gly277Ser).